The following is an entry in ClinVar:

NM_001110219.3(GJB6):c.215C>T (p.Ser72Phe)

Gene: GJB6 (gap junction protein beta 6; minus strand). Cytogenetic location: 13q12.11.
Variant type: single nucleotide variant.
Coding change: c.215C>T on transcript NM_001110219.3 (MANE Select); coding-DNA position 215, C replaced by T.
Protein change: p.Ser72Phe; replaces serine 72 with phenylalanine.
Molecular consequence: missense variant.
Genome position (GRCh38, 1-based): chr13:20,223,266, G>A on the plus strand (C>T on the coding strand, the complement: GJB6 is on the minus strand). VCF-style: chr13-20223266-G-A. GRCh37 (hg19) VCF-style: chr13-20797405-G-A.
Other names: c.215C>T, p.Ser72Phe (NM_001110220.3, NM_001110221.3, NM_001370090.1 and 3 more transcripts); c.215C>T (NM_001110219.2); short protein forms S72F.
Identifiers: ClinVar variation 1309831 (VCV001309831.6), dbSNP rs763435578, ClinGen allele CA6904491.

ClinVar aggregate classification (germline): Uncertain significance. Review status: criteria provided, multiple submitters, no conflicts (2 of 4 stars). 3 submissions from 3 submitters: Uncertain significance (2). 1 of the submissions does not count toward it. Last evaluated 2025-08-31.

Conditions:
GJB6-related disorder. Also called: GJB6-related disorders.
Inborn genetic diseases. Identifiers: MedGen C0950123, MeSH D030342.

Allele frequency attached by ClinVar (database versions not stated): gnomAD exomes below 0.00001; ExAC 0.00001; gnomAD 0.00001; TOPMed 0.00002.
gnomAD v4.1: 2 of 1,611,962 alleles (0.00012%); highest among the groups gnomAD compares: African/African-American, 0.0027%; no homozygotes.

Submissions (3):

Ambry Genetics
Classification: Uncertain significance for Inborn genetic diseases. Last evaluated: 2025-08-31. Review status: criteria provided, single submitter. Criteria: Ambry Variant Classification Scheme 2023. Collection method: clinical testing. Allele origin: germline.

GeneDx
Classification: Uncertain significance. Last evaluated: 2023-01-31. Review status: criteria provided, single submitter. Criteria: GeneDx Variant Classification Process June 2021. Collection method: clinical testing. Allele origin: germline. Affected: yes.
Comment: Not observed at a significant frequency in large population cohorts (gnomAD); In silico analysis, which includes protein predictors and evolutionary conservation, supports a deleterious effect; Has not been previously published as pathogenic or benign to our knowledge

PreventionGenetics, part of Exact Sciences
Classification: Uncertain significance for GJB6-related condition. Last evaluated: 2024-05-02. Review status: no assertion criteria provided. Collection method: clinical testing. Allele origin: germline. Not counted in ClinVar's aggregate classification.
Comment: The GJB6 c.215C>T variant is predicted to result in the amino acid substitution p.Ser72Phe. To our knowledge, this variant has not been reported in the literature. This variant is reported in 0.0062% of alleles in individuals of African descent in gnomAD. At this time, the clinical significance of this variant is uncertain due to the absence of conclusive functional and genetic evidence.